The following is an entry in ClinVar:

ClinVar aggregate classification (germline): Conflicting classifications of pathogenicity. Review status: criteria provided, conflicting classifications (1 of 4 stars). 8 submissions from 8 submitters: Uncertain significance (4); Benign (1); Likely benign (3). Last evaluated 2026-01-28.

Conditions:
Neuropathy, hereditary sensory and autonomic, type 2A (HSAN2A). Also called: WNK1-Related HSAN2 (HSAN2A); ACROOSTEOLYSIS, GIACCAI TYPE; ACROOSTEOLYSIS, NEUROGENIC; MORVAN DISEASE; NEUROPATHY, CONGENITAL SENSORY; NEUROPATHY, HEREDITARY SENSORY RADICULAR, AUTOSOMAL RECESSIVE. Identifiers: Orphanet 970, MedGen C2752089, MONDO:0024309, OMIM 201300.
Pseudohypoaldosteronism type 2C (PHA2C). Also called: Pseudohypoaldosteronism Type IIC. Identifiers: Orphanet 757, Orphanet 88940, MedGen C1840391, MONDO:0013778, OMIM 614492.
Inborn genetic diseases. Identifiers: MedGen C0950123, MeSH D030342.

Allele frequency attached by ClinVar (database versions not stated): gnomAD exomes 0.00014 and 0.00044; ExAC 0.00016; gnomAD 0.00019 and 0.00020; TOPMed 0.00021; ESP Exome Variant Server 0.00046.
gnomAD v4.1: 666 of 1,614,106 alleles (0.041%); highest among the groups gnomAD compares: Non-Finnish European, 0.054%; 1 homozygote.

Submissions (8):

Labcorp Genetics (formerly Invitae), Labcorp
Classification: Likely benign for Neuropathy, hereditary sensory and autonomic, type 2A; Pseudohypoaldosteronism type 2C. Last evaluated: 2026-01-28. Review status: criteria provided, single submitter. Criteria: Invitae Variant Classification Sherloc (09022015). Collection method: clinical testing. Allele origin: germline.

CeGaT Center for Human Genetics Tuebingen
Classification: Likely benign. Last evaluated: 2026-01-01. Review status: criteria provided, single submitter. Criteria: CeGaT Center For Human Genetics Tuebingen Variant Classification Criteria Version 2. Collection method: clinical testing. Allele origin: germline. Affected: yes. Observed: 2 variant alleles.
Comment: WNK1: BP4, BS2

Women's Health and Genetics/Laboratory Corporation of America, LabCorp
Classification: Likely benign. Last evaluated: 2025-10-10. Review status: criteria provided, single submitter. Criteria: LabCorp Variant Classification Summary - May 2015. Collection method: clinical testing. Allele origin: germline.
Comment: Variant summary: WNK1 c.5851A>G (p.Thr1951Ala) results in a non-conservative amino acid change in the encoded protein sequence. Algorithms developed to predict the effect of missense changes on protein structure and function are either unavailable or do not agree on the potential impact of this missense change. The variant allele was found at a max frequency of 0.00014 in 251326 control chromosomes. This frequency is not significantly higher than estimated for disease-causing variants in WNK1, however it approaches it (0.0011) in gnomAD v4 (0.0005407), wherein 1 homozygous control is reported. This is not consistent with the early onset/severe presentation of the recessive condition associated with WNK1. To our knowledge, no occurrence of c.5851A>G in individuals affected with WNK1-related conditions and no experimental evidence demonstrating its impact on protein function have been reported. The following publications have been ascertained in the context of this evaluation (PMID: 23149595, 29693246). ClinVar contains an entry for this variant (Variation ID: 571493). Based on the evidence outlined above, the variant was classified as likely benign.

Blueprint Genetics
Classification: Uncertain significance. Last evaluated: 2024-11-22. Review status: criteria provided, single submitter. Criteria: ACMG Guidelines, 2015. Collection method: clinical testing. Allele origin: germline.

Fulgent Genetics
Classification: Uncertain significance for Neuropathy, hereditary sensory and autonomic, type 2A; Pseudohypoaldosteronism type 2C. Last evaluated: 2024-04-19. Review status: criteria provided, single submitter. Criteria: ACMG Guidelines, 2015. Collection method: clinical testing. Allele origin: germline.

Athena Diagnostics
Classification: Uncertain significance. Last evaluated: 2023-09-06. Review status: criteria provided, single submitter. Criteria: Athena Diagnostics Criteria. Collection method: clinical testing. Allele origin: unknown.
Comment: Available data are insufficient to determine the clinical significance of the variant at this time. The frequency of this variant in the general population is higher than would generally be expected for pathogenic variants in this gene. In some published literature, this variant is referred to as c.5851A>G (p.T1951A). Computational tools disagree on the variant's effect on normal protein function.

Ambry Genetics
Classification: Uncertain significance for Inborn genetic diseases. Last evaluated: 2021-06-25. Review status: criteria provided, single submitter. Criteria: Ambry Variant Classification Scheme 2023. Collection method: clinical testing. Allele origin: germline.
Comment: The p.T2203A variant (also known as c.6607A>G), located in coding exon 24 of the WNK1 gene, results from an A to G substitution at nucleotide position 6607. The threonine at codon 2203 is replaced by alanine, an amino acid with similar properties. This amino acid position is well conserved in available vertebrate species; however, alanine is the reference amino acid in other vertebrate species. In addition, this alteration is predicted to be tolerated by in silico analysis. Since supporting evidence is limited at this time, the clinical significance of this alteration remains unclear.

Illumina Laboratory Services, Illumina
Classification: Benign for Pseudohypoaldosteronism type 2C. Last evaluated: 2017-11-15. Review status: criteria provided, single submitter. Criteria: ICSL Variant Classification Criteria 13 December 2019. Collection method: clinical testing. Allele origin: germline.
Comment: This variant was observed as part of a predisposition screen in an ostensibly healthy population. A literature search was performed for the gene, cDNA change, and amino acid change (where applicable). Publications were found based on this search. The evidence from the literature, in combination with allele frequency data from public databases where available, was sufficient to rule this variant out of causing disease. Therefore, this variant is classified as benign.

Literature cited by the submitters: PubMed 23149595 (cited by 3 submitters); PubMed 29693246 (cited by Women's Health and Genetics/Laboratory Corporation of America, LabCorp).

NM_018979.4(WNK1):c.5851A>G (p.Thr1951Ala)

Gene: WNK1 (WNK lysine deficient protein kinase 1; plus strand). Cytogenetic location: 12p13.33.
Variant type: single nucleotide variant.
Coding change: c.5851A>G on transcript NM_018979.4 (MANE Select); coding-DNA position 5851, A replaced by G.
Protein change: p.Thr1951Ala; replaces threonine 1951 with alanine.
Molecular consequence: missense variant.
Genome position (GRCh38, 1-based): chr12:896,338, A>G. VCF-style: chr12-896338-A-G. GRCh37 (hg19) VCF-style: chr12-1005504-A-G.
Other names: c.6631A>G, p.Thr2211Ala (NM_001184985.2); c.5107A>G, p.Thr1703Ala (NM_014823.3); c.6607A>G, p.Thr2203Ala (NM_213655.5); c.6631A>G (NM_001184985.1); short protein forms T2203A, T1951A, T2211A, T1703A.
Identifiers: ClinVar variation 571493 (VCV000571493.34), dbSNP rs72650764, ClinGen allele CA6383293.
Genomic context (GRCh38, chr12:896,338, plus strand): 5'-TCAGAGGCAAAGTCAGACACTGGGCAGCCTACCAAGGTTGGACGTTTTCAGGTGACAACT[A>G]CAGCAAACAAAGTGGGTCGTTTCTCTGTATCAAAAACTGAGGACAAGATCACTGACACAA-3'
Protein context (NP_061852.3, residues 1941-1961): TKVGRFQVTT[Thr1951Ala]ANKVGRFSVS